The following is an entry in ClinVar:

ClinVar aggregate classification (germline): Uncertain significance. Review status: criteria provided, multiple submitters, no conflicts (2 of 4 stars). 2 submissions from 2 submitters: Uncertain significance (2). Last evaluated 2024-06-25.

Allele frequency attached by ClinVar (database versions not stated): gnomAD 0.00001; gnomAD exomes 0.00001; TOPMed 0.00002; ExAC 0.00003.

Submissions (2):

Ambry Genetics
Classification: Uncertain significance. Last evaluated: 2024-06-25. Review status: criteria provided, single submitter. Criteria: Ambry Variant Classification Scheme 2023. Collection method: clinical testing. Allele origin: germline.

Labcorp Genetics (formerly Invitae), Labcorp
Classification: Uncertain significance. Last evaluated: 2023-10-18. Review status: criteria provided, single submitter. Criteria: Invitae Variant Classification Sherloc (09022015). Collection method: clinical testing. Allele origin: germline.
Comment: This sequence change replaces methionine, which is neutral and non-polar, with valine, which is neutral and non-polar, at codon 243 of the CXCR2 protein (p.Met243Val). This variant is present in population databases (rs768345403, gnomAD 0.03%). This variant has not been reported in the literature in individuals affected with CXCR2-related conditions. ClinVar contains an entry for this variant (Variation ID: 2163343). An algorithm developed to predict the effect of missense changes on protein structure and function (PolyPhen-2) suggests that this variant¬†is likely to be tolerated. In summary, the available evidence is currently insufficient to determine the role of this variant in disease. Therefore, it has been classified as a Variant of Uncertain Significance.

NM_001557.4(CXCR2):c.727A>G (p.Met243Val)

Gene: CXCR2 (C-X-C motif chemokine receptor 2; plus strand). Cytogenetic location: 2q35.
Variant type: single nucleotide variant.
Coding change: c.727A>G on transcript NM_001557.4 (MANE Select); coding-DNA position 727, A replaced by G.
Protein change: p.Met243Val; replaces methionine 243 with valine.
Molecular consequence: missense variant.
Genome position (GRCh38, 1-based): chr2:218,135,528, A>G. VCF-style: chr2-218135528-A-G. GRCh37 (hg19) VCF-style: chr2-219000251-A-G.
Other names: c.727A>G, p.Met243Val (NM_001168298.2); c.727A>G (NM_001557.3); short protein forms M243V.
Identifiers: ClinVar variation 2163343 (VCV002163343.4), dbSNP rs768345403, ClinGen allele CA2101766.